The following is an entry in ClinVar:

NM_133379.5(TTN):c.15056A>C (p.His5019Pro)

Genes: TTN (titin; minus strand), LOC126806432 (CDK7 strongly-dependent group 2 enhancer GRCh37_chr2:179611985-179613184; plus strand). Cytogenetic location: 2q31.2.
Variant type: single nucleotide variant.
Coding change: c.15056A>C on transcript NM_133379.5; coding-DNA position 15056, A replaced by C.
Protein change: p.His5019Pro; replaces histidine 5019 with proline.
Molecular consequence: missense variant. On other transcripts: intron variant (6).
Genome position (GRCh38, 1-based): chr2:178,747,344, T>G on the plus strand (A>C on the coding strand, the complement: TTN is on the minus strand). VCF-style: chr2-178747344-T-G. GRCh37 (hg19) VCF-style: chr2-179612071-T-G.
Other names: c.10223-5423A>C (NM_003319.4); c.10799-5423A>C (NM_133437.4); c.10598-5423A>C (NM_133432.3); c.10360+5780A>C (NM_133378.4); c.10361-5423A>C (NM_001256850.1); c.11312-5423A>C (NM_001267550.2); short protein forms H5019P.
Identifiers: ClinVar variation 1050066 (VCV001050066.1), dbSNP rs754315701, ClinGen allele CA349639464.

ClinVar aggregate classification (germline): Uncertain significance (0 of 4 stars; one submission).

Allele frequency attached by ClinVar (database versions not stated): gnomAD exomes below 0.00001.
gnomAD v4.1: 3 of 1,613,300 alleles (0.00019%); highest among the groups gnomAD compares: Middle Eastern, 0.017%; no homozygotes.

Submission:

Department of Pathology and Laboratory Medicine, Sinai Health System
Classification: Uncertain significance. Review status: no assertion criteria provided. Collection method: clinical testing. Allele origin: unknown. Affected: yes. Study: The Canadian Open Genetics Repository (COGR).
Comment: The TTN p.His5019Pro variant was not identified in the literature nor was it identified in dbSNP, ClinVar or in the following control databases: the 1000 Genomes Project, the NHLBI GO Exome Sequencing Project, the Exome Aggregation Consortium (August 8th 2016), or the Genome Aggregation Database (March 6, 2019, v2.1.1). The p.His5019 residue has limited species conservation information and computational analyses (PolyPhen-2, BLOSUM, MutationTaster) provide inconsistent predictions regarding the impact to the protein. The variant occurs outside of the splicing consensus sequence and two of four in silico or computational prediction software programs (SpliceSiteFinder, MaxEntScan, NNSPLICE, GeneSplicer) predict a greater than 10% difference in splicing; this is not very predictive of pathogenicity. In summary, based on the above information the clinical significance of this variant cannot be determined with certainty at this time. This variant is classified as a variant of uncertain significance.